The following is an entry in ClinVar:

ClinVar aggregate classification (germline): Pathogenic/Likely pathogenic. Review status: criteria provided, multiple submitters, no conflicts (2 of 4 stars). 33 submissions from 33 submitters: Pathogenic (26); Likely pathogenic (4). 3 of the submissions do not count toward it. Last evaluated 2026-10-26.

Conditions:
PKLR-related disorder. Also called: PKLR-related condition.
Inborn genetic diseases. Identifiers: MedGen C0950123, MeSH D030342.
Pyruvate kinase deficiency of red cells (CNSHA2). Also called: Pyruvate kinase deficiency, Amish type; PK DEFICIENCY; PYRUVATE KINASE DEFICIENCY OF ERYTHROCYTE. Identifiers: Orphanet 766, MedGen C0340968, MONDO:0009950, OMIM 266200.
Pyruvate kinase hyperactivity. Identifiers: MedGen C1863224, MONDO:0007067, OMIM 102900.

Allele frequency attached by ClinVar (database versions not stated): 1000 Genomes Project 0.00160; 1000 Genomes Project 30x 0.00172; ESP Exome Variant Server 0.00208; TOPMed 0.00229; gnomAD 0.00270 and 0.00279; ExAC 0.00285; gnomAD exomes 0.00297 and 0.00305.
gnomAD v4.1: 4,766 of 1,613,440 alleles (0.3%); highest among the groups gnomAD compares: Middle Eastern, 0.58%; 8 homozygotes.

Submissions 1 to 8 of 33:

GeneDx
Classification: Likely pathogenic. Last evaluated: 2026-10-26. Review status: criteria provided, single submitter. Criteria: GeneDx Variant Classification Process June 2021. Collection method: clinical testing. Allele origin: germline.
Comment: In silico analysis supports that this missense variant has a deleterious effect on protein structure/function; This variant is associated with the following publications: (PMID: 30681718, 29555771, 32279356, 38523675, 38556258, 37895316, 31980526, 29549173, 32165483, 11960989, 20981092, 8483951, 11054094, 24533562, 29349879, 29519373, 29519369, 9827908, 18759866, 27346685, 29396846, 30358897, 28133914, 32543069, 32043619, 30609409, 31974203, 32974842, 26728349, 33054133, 33054047, 23770304, 33054048, 34426522, 34662886, 11328279, 18708292, 32036089, 27871768, 9482576, 33631127, 37188156, 36892591, 38581917, 36825813, 35989577, 38434380, 37671043, 38811201, 41037325, 40964792)

CeGaT Center for Human Genetics Tuebingen
Classification: Pathogenic. Last evaluated: 2026-08-01. Review status: criteria provided, single submitter. Criteria: CeGaT Center For Human Genetics Tuebingen Variant Classification Criteria Version 2. Collection method: clinical testing. Allele origin: germline. Affected: yes. Observed: 10 variant alleles.
Comment: PKLR: PM3:Very Strong, PM5, PM2:Supporting, PP4, PS3:Supporting

PreventionGenetics, part of Exact Sciences
Classification: Pathogenic for PKLR-related condition. Last evaluated: 2026-03-20. Review status: criteria provided, single submitter. Criteria: ACMG Guidelines, 2015. Collection method: clinical testing. Allele origin: germline.
Comment: The PKLR c.1456C>T variant is predicted to result in the amino acid substitution p.Arg486Trp. This variant is one of the most common disease causing PKLR variants and has been reported in the homozygous and compound heterozygous states in many individuals with pyruvate kinase deficiency (OMIM #266200; Baronciani et al. 1993. PubMed ID: 8483951; Zarza et al. 1998. PubMed ID: 9827908; Valentini et al. 2002. PubMed ID: 11960989; Kedar et al. 2008. PubMed ID: 18759866). Functional studies indicate this variant disrupts protein function (Valentini et al. 2002. PubMed ID: 11960989). This variant is reported in 0.81% of alleles in individuals of European (Finnish) descent in gnomAD. This variant is interpreted as pathogenic.

Ambry Genetics
Classification: Pathogenic for Inborn genetic diseases. Last evaluated: 2026-02-23. Review status: criteria provided, single submitter. Criteria: Ambry Variant Classification Scheme 2023. Collection method: clinical testing. Allele origin: germline.
Comment: The c.1456C>T (p.R486W) alteration is located in exon 10 (coding exon 10) of the PKLR gene. This alteration results from a C to T substitution at nucleotide position 1456, causing the arginine (R) at amino acid position 486 to be replaced by a tryptophan (W). Based on data from gnomAD, the T allele has an overall frequency of 0.295% (833/282498) total alleles studied. The highest observed frequency was 0.812% (204/25114) of European (Finnish) alleles. This variant has been identified in the homozygous state and/or in conjunction with other PKLR variant(s) in individual(s) with features consistent with PKLR-related pyruvate kinase deficiency; in at least one instance, the variants were identified in trans (Zanella, 2001; Kedar, 2009; Jaouani, 2017; Svidnicki, 2018; Jamwal, 2020). This amino acid position is not well conserved in available vertebrate species. This alteration is predicted to be deleterious by in silico analysis. Based on the available evidence, this alteration is classified as pathogenic.

Dasa
Classification: Pathogenic. Last evaluated: 2026-02-19. Review status: criteria provided, single submitter. Criteria: DASA Assertion Criteria. Collection method: clinical testing. Allele origin: germline.
Comment: NM_000298.6(PKLR):c.1456C>T (p.Arg486Trp) is a missense variant that results in the substitution of arginine with tryptophan. This variant has been observed in affected individuals with related phenotype in a genotype context consistent with recessive disease (PMID: 11960989; PMID: 9057665; PMID: 9657767; PMID: 9827908; PMID: 11054094). Functional evidence supports a deleterious effect on the gene or gene product (PMID: 11960989; PMID: 9057665; PMID: 9657767; PMID: 9827908; PMID: 11054094). This variant has been recurrently observed in individuals with related phenotype (PMID: 11960989; PMID: 9057665; PMID: 9657767; PMID: 9827908; PMID: 11054094). Multiple computational predictions support a deleterious effect on the gene or gene product. The variant is present at low frequency in population datasets. Based on the available data, this variant is classified as pathogenic.

Labcorp Genetics (formerly Invitae), Labcorp
Classification: Pathogenic. Last evaluated: 2026-01-24. Review status: criteria provided, single submitter. Criteria: Invitae Variant Classification Sherloc (09022015). Collection method: clinical testing. Allele origin: germline.
Comment: This sequence change replaces arginine, which is basic and polar, with tryptophan, which is neutral and slightly polar, at codon 486 of the PKLR protein (p.Arg486Trp). This variant is present in population databases (rs116100695, gnomAD 0.8%), and has an allele count higher than expected for a pathogenic variant. This missense change has been observed in individual(s) with pyruvate kinase deficiency (PMID: 9057665, 9657767, 9827908, 11054094, 17574881, 27871768, 32974842). In at least one individual the data is consistent with the variant being in trans (on the opposite chromosome) from a pathogenic variant. This variant is commonly associated with mild to asymptomatic disease when observed in the homozygous state. However, this variant in conjunction with another pathogenic variant is a common cause of mild chronic hemolytic anemia, particularly in populations of southern Europe. Instances of moderate to severe disease in association with this variant have also been reported (PMID: 17360088, 9482576, 11328279, 10354117). ClinVar contains an entry for this variant (Variation ID: 1513). Invitae Evidence Modeling of protein sequence and biophysical properties (such as structural, functional, and spatial information, amino acid conservation, physicochemical variation, residue mobility, and thermodynamic stability) indicates that this missense variant is not expected to disrupt PKLR protein function with a negative predictive value of 80%. Experimental studies have shown that this variant moderately affects PKLR function (PMID: 11960989). For these reasons, this variant has been classified as Pathogenic.

Department of Molecular Genetics, Istishari Arab Hospital
Classification: Pathogenic for Pyruvate kinase deficiency of red cells. Last evaluated: 2025-12-11. Review status: criteria provided, single submitter. Criteria: ACMG Guidelines, 2015. Collection method: clinical testing. Allele origin: germline. Inheritance: Autosomal recessive inheritance. Affected: yes.
Comment: The PKLR variant c.1456C>T p.(Arg486Trp) causes an amino acid change from Arg to Trp at position 486. According to HGMD Professional 2022.1, this variant has previously been described as disease-causing for Pyruvate kinase deficiency by Baronciani et al., 1993 (PMID: 8483951), Manco et al., 2000 (PMID: 11054094), Valentini et al., 2002 (PMID: 11960989). It is classified as pathogenic (class 1) according to the recommendations of ACMG.

3billion
Classification: Pathogenic for Pyruvate kinase deficiency of red cells. Last evaluated: 2025-12-02. Review status: criteria provided, single submitter. Criteria: ACMG Guidelines, 2015. Collection method: clinical testing. Allele origin: germline. Affected: yes.
Comment: The variant is observed at an extremely low frequency in the gnomAD v4.1.0 dataset (total allele frequency: 0.295%). Predicted Consequence/Location: Missense variant In silico tool predictions suggest damaging effect of the variant on gene or gene product [REVEL: 0.91 (>=0.6, sensitivity 0.68 and specificity 0.92); 3Cnet: 0.98 (> 0.75, sensitivity 0.96 and precision 0.92)]. The same nucleotide change resulting in the same amino acid change has been previously reported as pathogenic/likely pathogenic with strong evidence (ClinVar ID: VCV000001513 /PMID: 8483951 /3billion dataset). The variant has been reported to be in trans with a pathogenic variant as either compound heterozygous or homozygous in at least one similarly affected unrelated individual (PMID: 16704447). A different missense change at the same codon (p.Arg486Leu) has been reported to be associated with PKLR-related disorder (PMID: 16704447). Therefore, this variant is classified as Pathogenic according to the recommendation of ACMG/AMP guideline.

NM_000298.6(PKLR):c.1456C>T (p.Arg486Trp)

Gene: PKLR (pyruvate kinase L/R; minus strand). Cytogenetic location: 1q22.
Variant type: single nucleotide variant.
Coding change: c.1456C>T on transcript NM_000298.6 (MANE Select); coding-DNA position 1456, C replaced by T.
Protein change: p.Arg486Trp; replaces arginine 486 with tryptophan.
Molecular consequence: missense variant.
Genome position (GRCh38, 1-based): chr1:155,291,918, G>A on the plus strand (C>T on the coding strand, the complement: PKLR is on the minus strand). VCF-style: chr1-155291918-G-A. GRCh37 (hg19) VCF-style: chr1-155261709-G-A.
Other names: p.(Arg486Trp); c.1363C>T, p.Arg455Trp (NM_181871.4); short protein forms R486W, R455W.
Identifiers: ClinVar variation 1513 (VCV000001513.104), dbSNP rs116100695, ClinGen allele CA215080.